The following is an entry in ClinVar:

NM_173630.4(RTTN):c.1075A>G (p.Ile359Val)

Gene: RTTN (rotatin; minus strand). Cytogenetic location: 18q22.2.
Variant type: single nucleotide variant.
Coding change: c.1075A>G on transcript NM_173630.4 (MANE Select); coding-DNA position 1075, A replaced by G.
Protein change: p.Ile359Val; replaces isoleucine 359 with valine.
Molecular consequence: missense variant. On other transcripts: 5 prime UTR variant (1).
Genome position (GRCh38, 1-based): chr18:70,190,652, T>C on the plus strand (A>G on the coding strand, the complement: RTTN is on the minus strand). VCF-style: chr18-70190652-T-C. GRCh37 (hg19) VCF-style: chr18-67857888-T-C.
Other names: c.-1479A>G (NM_001318520.2); short protein forms I359V.
Identifiers: ClinVar variation 1400265 (VCV001400265.6), dbSNP rs527433108, ClinGen allele CA8996268.
Genomic context (GRCh38, chr18:70,190,652, plus strand): 5'-GACTGAGCTGCTGGAATTGTAGTTCCAATGTGTCTTCAGTTTCCAGCTCTGGCAGATCTA[T>C]GTGTCCCATATCCAAAGGTGAATGAACGGATATCCTGGAGTTTACATGAGCATGACTACT-3'
Protein context (NP_775901.3, residues 349-369): SVHSPLDMGH[Ile359Val]DLPELETEDT

ClinVar aggregate classification (germline): Uncertain significance (1 of 4 stars; one submission).

Allele frequency attached by ClinVar (database versions not stated): gnomAD exomes below 0.00001; gnomAD 0.00001; TOPMed 0.00001; ExAC 0.00002; 1000 Genomes Project 0.00020; 1000 Genomes Project 30x 0.00031.
gnomAD v4.1: 7 of 1,613,722 alleles (0.00043%); highest among the groups gnomAD compares: East Asian, 0.0045%; no homozygotes.

Submission:

Labcorp Genetics (formerly Invitae), Labcorp
Classification: Uncertain significance. Last evaluated: 2021-04-22. Review status: criteria provided, single submitter. Criteria: Invitae Variant Classification Sherloc (09022015). Collection method: clinical testing. Allele origin: germline.
Comment: Algorithms developed to predict the effect of missense changes on protein structure and function output the following: SIFT: "Tolerated"; PolyPhen-2: "Benign"; Align-GVGD: "Class C0". The valine amino acid residue is found in multiple mammalian species, suggesting that this missense change does not adversely affect protein function. These predictions have not been confirmed by published functional studies and their clinical significance is uncertain. This variant has not been reported in the literature in individuals with RTTN-related conditions. This variant is present in population databases (rs527433108, ExAC 0.01%). This sequence change replaces isoleucine with valine at codon 359 of the RTTN protein (p.Ile359Val). The isoleucine residue is weakly conserved and there is a small physicochemical difference between isoleucine and valine. In summary, the available evidence is currently insufficient to determine the role of this variant in disease. Therefore, it has been classified as a Variant of Uncertain Significance.